The following is an entry in ClinVar:

ClinVar aggregate classification (germline): Uncertain significance. Review status: criteria provided, multiple submitters, no conflicts (2 of 4 stars). 2 submissions from 2 submitters: Uncertain significance (2). Last evaluated 2025-10-27.

Conditions:
Inborn genetic diseases. Identifiers: MedGen C0950123, MeSH D030342.

Allele frequency attached by ClinVar (database versions not stated): gnomAD 0.00003 and 0.00004; gnomAD exomes 0.00003; ExAC 0.00004; TOPMed 0.00006; ESP Exome Variant Server 0.00008.
gnomAD v4.1: 55 of 1,614,002 alleles (0.0034%); highest among the groups gnomAD compares: Non-Finnish European, 0.0036%; no homozygotes.

Submissions (2):

Labcorp Genetics (formerly Invitae), Labcorp
Classification: Uncertain significance. Last evaluated: 2025-10-27. Review status: criteria provided, single submitter. Criteria: Invitae Variant Classification Sherloc (09022015). Collection method: clinical testing. Allele origin: germline.
Comment: This sequence change replaces arginine, which is basic and polar, with tryptophan, which is neutral and slightly polar, at codon 532 of the LAMB1 protein (p.Arg532Trp). This variant is present in population databases (rs368444650, gnomAD 0.009%). This variant has not been reported in the literature in individuals affected with LAMB1-related conditions. ClinVar contains an entry for this variant (Variation ID: 1383510). An algorithm developed to predict the effect of missense changes on protein structure and function (PolyPhen-2) suggests that this variant is likely to be tolerated. In summary, the available evidence is currently insufficient to determine the role of this variant in disease. Therefore, it has been classified as a Variant of Uncertain Significance.

Ambry Genetics
Classification: Uncertain significance for Inborn genetic diseases. Last evaluated: 2022-06-24. Review status: criteria provided, single submitter. Criteria: Ambry Variant Classification Scheme 2023. Collection method: clinical testing. Allele origin: germline.

NM_002291.3(LAMB1):c.1594C>T (p.Arg532Trp)

Gene: LAMB1 (laminin subunit beta 1; minus strand). Cytogenetic location: 7q31.1.
Variant type: single nucleotide variant.
Coding change: c.1594C>T on transcript NM_002291.3 (MANE Select); coding-DNA position 1594, C replaced by T.
Protein change: p.Arg532Trp; replaces arginine 532 with tryptophan.
Molecular consequence: missense variant.
Genome position (GRCh38, 1-based): chr7:107,964,656, G>A on the plus strand (C>T on the coding strand, the complement: LAMB1 is on the minus strand). VCF-style: chr7-107964656-G-A. GRCh37 (hg19) VCF-style: chr7-107605101-G-A.
Other names: c.1594C>T (NM_002291.2); short protein forms R532W.
Identifiers: ClinVar variation 1383510 (VCV001383510.9), dbSNP rs368444650, ClinGen allele CA4435960.